The following is an entry in ClinVar:

NM_004006.3(DMD):c.10951G>A (p.Asp3651Asn)

Gene: DMD (dystrophin; minus strand). Cytogenetic location: Xp21.2.
Variant type: single nucleotide variant.
Coding change: c.10951G>A on transcript NM_004006.3 (MANE Select); coding-DNA position 10951, G replaced by A.
Protein change: p.Asp3651Asn; replaces aspartic acid 3651 with asparagine.
Molecular consequence: missense variant.
Genome position (GRCh38, 1-based): chrX:31,134,165, C>T on the plus strand (G>A on the coding strand, the complement: DMD is on the minus strand). VCF-style: chrX-31134165-C-T. GRCh37 (hg19) VCF-style: chrX-31152282-C-T.
Other names: c.10927G>A, p.Asp3643Asn (NM_000109.4); c.10939G>A, p.Asp3647Asn (NM_004009.3); c.10582G>A, p.Asp3528Asn (NM_004010.3); c.6928G>A, p.Asp2310Asn (NM_004011.4); c.6919G>A, p.Asp2307Asn (NM_004012.4); c.3571G>A, p.Asp1191Asn (NM_004013.3, NM_004021.3); c.2764G>A, p.Asp922Asn (NM_004014.3); c.1747G>A, p.Asp583Asn (NM_004015.3, NM_004016.3); and 4 more; short protein forms D1081N, D1178N, D1191N, D2307N, D2310N, D3528N, D3643N, D3647N.
Identifiers: ClinVar variation 1003362 (VCV001003362.13), dbSNP rs766599250, ClinGen allele CA10377499.

ClinVar aggregate classification (germline): Conflicting classifications of pathogenicity. Review status: criteria provided, conflicting classifications (1 of 4 stars). 3 submissions from 3 submitters: Uncertain significance (1); Likely benign (1). 1 of the submissions does not count toward it. Last evaluated 2025-05-26.

Conditions:
Cardiovascular phenotype. Identifiers: MedGen CN230736.
Duchenne muscular dystrophy (DMD). Also called: MUSCULAR DYSTROPHY, PSEUDOHYPERTROPHIC PROGRESSIVE, DUCHENNE TYPE; Duchenne Muscular Dystrophy (DMD). Identifiers: Orphanet 98896, MedGen C0013264, MONDO:0010679, OMIM 310200.
Dystrophin deficiency.
Becker muscular dystrophy (BMD). Also called: MUSCULAR DYSTROPHY, PSEUDOHYPERTROPHIC PROGRESSIVE, BECKER TYPE; Becker Muscular Dystrophy (BMD). Identifiers: Orphanet 98895, MedGen C0917713, MONDO:0010311, OMIM 300376.
Cardiomyopathy (CMYO). Also called: Cardiomyopathies. Identifiers: Orphanet 167848, MedGen C0878544, MONDO:0004994, HP:0001638. Inheritance: Various modes of inheritance.

Allele frequency attached by ClinVar (database versions not stated): gnomAD exomes below 0.00001 and 0.00002; ExAC 0.00001; TOPMed 0.00002; gnomAD 0.00003 and 0.00004.
gnomAD v4.1: 8 of 1,208,615 alleles (0.00066%); highest among the groups gnomAD compares: African/African-American, 0.0053%; no homozygotes.

Submissions (3):

Ambry Genetics
Classification: Likely benign for Cardiovascular phenotype. Last evaluated: 2025-05-26. Review status: criteria provided, single submitter. Criteria: Ambry Variant Classification Scheme 2023. Collection method: clinical testing. Allele origin: germline.

Labcorp Genetics (formerly Invitae), Labcorp
Classification: Uncertain significance for Duchenne muscular dystrophy. Last evaluated: 2025-02-28. Review status: criteria provided, single submitter. Criteria: Invitae Variant Classification Sherloc (09022015). Collection method: clinical testing. Allele origin: germline.
Comment: This sequence change replaces aspartic acid, which is acidic and polar, with asparagine, which is neutral and polar, at codon 3651 of the DMD protein (p.Asp3651Asn). This variant is present in population databases (rs766599250, gnomAD 0.02%). This variant has not been reported in the literature in individuals affected with DMD-related conditions. ClinVar contains an entry for this variant (Variation ID: 1003362). Invitae Evidence Modeling of protein sequence and biophysical properties (such as structural, functional, and spatial information, amino acid conservation, physicochemical variation, residue mobility, and thermodynamic stability) indicates that this missense variant is not expected to disrupt DMD protein function with a negative predictive value of 95%. In summary, the available evidence is currently insufficient to determine the role of this variant in disease. Therefore, it has been classified as a Variant of Uncertain Significance.

Natera, Inc.
Classification: Uncertain significance for Becker muscular dystrophy; Cardiomyopathy; Duchenne muscular dystrophy; Dystrophin deficiency. Last evaluated: 2019-03-18. Review status: no assertion criteria provided. Collection method: clinical testing. Allele origin: germline. Not counted in ClinVar's aggregate classification.